The following is an entry in ClinVar:

ClinVar aggregate classification (germline): Uncertain significance (1 of 4 stars; one submission).

Submission:

GeneDx
Classification: Uncertain significance. Last evaluated: 2023-11-13. Review status: criteria provided, single submitter. Criteria: GeneDx Variant Classification Process June 2021. Collection method: clinical testing. Allele origin: germline. Affected: yes.
Comment: Not observed at significant frequency in large population cohorts (gnomAD); In silico analysis supports that this missense variant has a deleterious effect on protein structure/function; Missense variants in this gene are a common cause of disease and they are underrepresented in the general population; Has not been previously published as pathogenic or benign to our knowledge

NM_001101.5(ACTB):c.323C>T (p.Ala108Val)

Gene: ACTB (actin beta; minus strand). Cytogenetic location: 7p22.1.
Variant type: single nucleotide variant.
Coding change: c.323C>T on transcript NM_001101.5 (MANE Select); coding-DNA position 323, C replaced by T.
Protein change: p.Ala108Val; replaces alanine 108 with valine.
Molecular consequence: missense variant.
Genome position (GRCh38, 1-based): chr7:5,529,201, G>A on the plus strand (C>T on the coding strand, the complement: ACTB is on the minus strand). VCF-style: chr7-5529201-G-A. GRCh37 (hg19) VCF-style: chr7-5568832-G-A.
Other names: short protein forms A108V.
Identifiers: ClinVar variation 3364055 (VCV003364055.1).